The following is an entry in ClinVar:

NM_001349338.3(FOXP1):c.1183G>A (p.Ala395Thr)

Gene: FOXP1 (forkhead box P1; minus strand). Cytogenetic location: 3p13.
Variant type: single nucleotide variant.
Coding change: c.1183G>A on transcript NM_001349338.3 (MANE Select); coding-DNA position 1183, G replaced by A.
Protein change: p.Ala395Thr; replaces alanine 395 with threonine.
Molecular consequence: missense variant. On other transcripts: non-coding transcript variant (2).
Genome position (GRCh38, 1-based): chr3:70,977,993, C>T on the plus strand (G>A on the coding strand, the complement: FOXP1 is on the minus strand). VCF-style: chr3-70977993-C-T. GRCh37 (hg19) VCF-style: chr3-71027144-C-T.
Other names: c.883G>A, p.Ala295Thr (NM_001349342.3, NM_001370548.1, NM_001244813.3 and 1 more transcripts); c.880G>A, p.Ala294Thr (NM_001349343.3, NM_001349344.3, NM_001349337.2); c.1183G>A, p.Ala395Thr (NM_032682.6, NM_001244808.3, NM_001244810.2 and 3 more transcripts); c.955G>A, p.Ala319Thr (NM_001244812.3); c.1180G>A, p.Ala394Thr (NM_001349341.3); short protein forms A395T, A294T, A295T, A394T, A319T.
Identifiers: ClinVar variation 562029 (VCV000562029.10), dbSNP rs376351360, ClinGen allele CA2491061.

ClinVar aggregate classification (germline): Conflicting classifications of pathogenicity. Review status: criteria provided, conflicting classifications (1 of 4 stars). 4 submissions from 4 submitters: Uncertain significance (1); Benign (1); Likely benign (2). Last evaluated 2025-12-04.

Conditions:
Intellectual disability. Also called: Intellectual functioning disability; intellectual disabilities; Intellectual developmental disorder. Identifiers: MedGen C3714756, MeSH D008607, MONDO:0001071, HP:0001249.
Inborn genetic diseases. Identifiers: MedGen C0950123, MeSH D030342.

Allele frequency attached by ClinVar (database versions not stated): ExAC 0.00001.
gnomAD v4.1: 14 of 1,613,992 alleles (0.00087%); highest among the groups gnomAD compares: East Asian, 0.0022%; no homozygotes.

Submissions (4):

Ambry Genetics
Classification: Uncertain significance for Inborn genetic diseases. Last evaluated: 2025-12-04. Review status: criteria provided, single submitter. Criteria: Ambry Variant Classification Scheme 2023. Collection method: clinical testing. Allele origin: germline.
Comment: The c.1183G>A (p.A395T) alteration is located in exon 15 (coding exon 10) of the FOXP1 gene. This alteration results from a G to A substitution at nucleotide position 1183, causing the alanine (A) at amino acid position 395 to be replaced by a threonine (T). Based on data from gnomAD, the A allele has an overall frequency of <0.001% (1/251320) total alleles studied. The highest observed frequency was 0.001% (1/113614) of European (non-Finnish) alleles. Based on insufficient or conflicting evidence, the clinical significance of this alteration remains unclear.

Labcorp Genetics (formerly Invitae), Labcorp
Classification: Benign. Last evaluated: 2025-10-13. Review status: criteria provided, single submitter. Criteria: Invitae Variant Classification Sherloc (09022015). Collection method: clinical testing. Allele origin: germline.

Dasa
Classification: Likely benign. Last evaluated: 2025-10-10. Review status: criteria provided, single submitter. Criteria: DASA Assertion Criteria. Collection method: clinical testing. Allele origin: germline.
Comment: NM_001349338.3(FOXP1):c.1183G>A (p.Ala395Thr) is a missense variant that results in the substitution of alanine with threonine. Population frequency is inconsistent with a disease-causing role for this variant. Computational prediction algorithms are consistent with a benign effect. Therefore, based on the currently available evidence, this variant is classified as likely benign.

Centre de Biologie Pathologie Génétique, Centre Hospitalier Universitaire de Lille
Classification: Likely benign for Intellectual disability. Last evaluated: 2017-01-01. Review status: criteria provided, single submitter. Criteria: ACMG Guidelines, 2015. Collection method: clinical testing. Allele origin: paternal. Affected: no.